The following is an entry in ClinVar:

ClinVar aggregate classification (germline): Benign/Likely benign. Review status: criteria provided, multiple submitters, no conflicts (2 of 4 stars). 8 submissions from 8 submitters: Benign (1); Likely benign (6). 1 of the submissions does not count toward it. Last evaluated 2026-01-12.

Conditions:
Breast and/or ovarian cancer. Identifiers: MedGen CN221562.
Hereditary cancer-predisposing syndrome. Also called: Hereditary neoplastic syndrome; Neoplastic Syndromes, Hereditary; Tumor predisposition; Hereditary Cancer Syndrome. Identifiers: Orphanet 140162, MedGen C0027672, MeSH D009386, MONDO:0015356.
Breast-ovarian cancer, familial, susceptibility to, 4. Identifiers: Orphanet 145, MedGen C3280345, MONDO:0013669, OMIM 614291.

gnomAD v4.1: 26 of 1,613,780 alleles (0.0016%); highest among the groups gnomAD compares: Non-Finnish European, 0.0022%; no homozygotes.

Submissions (8):

Labcorp Genetics (formerly Invitae), Labcorp
Classification: Likely benign for Breast-ovarian cancer, familial, susceptibility to, 4. Last evaluated: 2026-01-12. Review status: criteria provided, single submitter. Criteria: Invitae Variant Classification Sherloc (09022015). Collection method: clinical testing. Allele origin: germline.

Myriad Genetics, Inc.
Classification: Benign for Breast-ovarian cancer, familial, susceptibility to, 4. Last evaluated: 2023-04-06. Review status: criteria provided, single submitter. Criteria: Myriad Autosomal Dominant, Autosomal Recessive and X-Linked Classification Criteria (2023). Collection method: clinical testing. Allele origin: unknown.
Comment: This variant is considered benign. This variant is a silent/synonymous amino acid change and it is not expected to impact splicing.

Sema4
Classification: Likely benign for Hereditary cancer-predisposing syndrome. Last evaluated: 2022-01-04. Review status: criteria provided, single submitter. Criteria: Sema4 Curation Guidelines. Collection method: curation. Allele origin: germline.

CHEO Genetics Diagnostic Laboratory, Children's Hospital of Eastern Ontario
Classification: Likely benign for Breast and/or ovarian cancer. Last evaluated: 2021-12-23. Review status: criteria provided, single submitter. Criteria: ACMG Guidelines, 2015. Collection method: clinical testing. Allele origin: germline.

GeneDx
Classification: Likely benign. Last evaluated: 2018-12-10. Review status: criteria provided, single submitter. Criteria: GeneDx Variant Classification Process June 2021. Collection method: clinical testing. Allele origin: germline. Affected: yes.

Color Diagnostics, LLC DBA Color Health
Classification: Likely benign for Hereditary cancer-predisposing syndrome. Last evaluated: 2018-10-17. Review status: criteria provided, single submitter. Criteria: ACMG Guidelines, 2015. Collection method: clinical testing. Allele origin: germline.

Ambry Genetics
Classification: Likely benign for Hereditary cancer-predisposing syndrome. Last evaluated: 2014-10-31. Review status: criteria provided, single submitter. Criteria: Ambry Variant Classification Scheme 2023. Collection method: clinical testing. Allele origin: germline.

Counsyl
Classification: Likely benign for Breast-ovarian cancer, familial, susceptibility to, 4. Last evaluated: 2016-10-13. Review status: no assertion criteria provided. Collection method: clinical testing. Allele origin: unknown. Not counted in ClinVar's aggregate classification.

NM_002878.4(RAD51D):c.757C>A (p.Arg253=)

Genes: RAD51L3-RFFL (RAD51L3-RFFL readthrough; minus strand), RAD51D (RAD51 paralog D; minus strand). Cytogenetic location: 17q12.
Variant type: single nucleotide variant.
Coding change: c.757C>A on transcript NM_002878.4 (MANE Select); coding-DNA position 757, C replaced by A.
Protein change: p.Arg253=; no amino-acid change (arginine 253 retained).
Molecular consequence: synonymous variant. On other transcripts: non-coding transcript variant (3).
Genome position (GRCh38, 1-based): chr17:35,101,347, G>T on the plus strand (C>A on the coding strand, the complement: RAD51D is on the minus strand). VCF-style: chr17-35101347-G-T. GRCh37 (hg19) VCF-style: chr17-33428366-G-T.
Other names: c.817C>A, p.Arg273= (NM_001142571.2); c.421C>A, p.Arg141= (NM_133629.3).
Identifiers: ClinVar variation 184337 (VCV000184337.25), dbSNP rs137886232, ClinGen allele CA188653.